The following is an entry in ClinVar:

ClinVar aggregate classification (germline): Likely pathogenic (0 of 4 stars; one submission).

Conditions:
Autoinflammatory syndrome with immunodeficiency. Also called: AUTOINFLAMMATORY SYNDROME, FAMILIAL, WITH OR WITHOUT IMMUNODEFICIENCY. Identifiers: MedGen C5543547, MONDO:0800130, OMIM 619375.

Submission:

Department of Immunology, Beijing Children's Hospital of Capital Medical University
Classification: Likely pathogenic for Autoinflammatory syndrome with immunodeficiency. Last evaluated: 2021-11-01. Review status: no assertion criteria provided. Collection method: clinical testing. Allele origin: germline. Affected: yes.
Comment: The novel SOCS1 c.147_153dupCCCCGGC (p.D52Pfs*67) variant is classified as likely pathogenic based on it being a frameshift duplication predicted to result in a truncated or absent protein (PVS1), its absence from population databases (PM2), and segregation data showing it was present in the heterozygous state in the affected mother but absent in the unaffected father, supporting its role in autosomal dominant disease in the family. Although this is a novel variant, it is the type of variant (frameshift) expected to cause Autoimmune inflammatory syndrome, familial, with or without immunodeficiency (OMIM: 619375), a condition which exhibits variable expressivity.

NM_003745.2(SOCS1):c.147_153dup (p.Asp52fs)

Gene: SOCS1 (suppressor of cytokine signaling 1; minus strand). Cytogenetic location: 16p13.13.
Variant type: Microsatellite.
Coding change: c.147_153dup on transcript NM_003745.2 (MANE Select); coding-DNA positions 147 to 153, 7 bases duplicated (CCCCGGC; older notation c.147_153dupCCCCGGC).
Protein change: p.Asp52fs; shifts the reading frame from aspartic acid 52.
Molecular consequence: frameshift variant.
Genome position (GRCh38, 1-based): chr16:11,255,326-11,255,332, GCCGGGG duplicated on the plus strand (CCCCGGC on the coding strand, the reverse complement: SOCS1 is on the minus strand); duplicating any 7 consecutive bases within chr16:11,255,326-11,255,339 gives the same sequence; the c. name uses the placement nearest the transcript's 3' end. VCF-style (leftmost placement, unchanged base first): chr16-11255325-C-CGCCGGGG. GRCh37 (hg19) VCF-style: chr16-11349182-C-CGCCGGGG.
Other names: c.147_153dupCCCCGGC (NM_003745.2); short protein forms D52fs.
Identifiers: ClinVar variation 3340478 (VCV003340478.1).